The following is an entry in ClinVar:

ClinVar aggregate classification (germline): Uncertain significance (1 of 4 stars; one submission).

gnomAD v4.1: 3 of 1,607,284 alleles (0.00019%); highest among the groups gnomAD compares: Admixed American, 0.0034%; no homozygotes.

Submission:

GeneDx
Classification: Uncertain significance. Last evaluated: 2025-04-04. Review status: criteria provided, single submitter. Criteria: GeneDx Variant Classification Process June 2021. Collection method: clinical testing. Allele origin: germline. Affected: yes.
Comment: Not observed at significant frequency in large population cohorts (gnomAD); Has not been previously published as pathogenic or benign to our knowledge; In silico analysis is inconclusive as to whether the variant alters gene splicing. In the absence of RNA/functional studies, the actual effect of this sequence change is unknown.

NM_015192.4(PLCB1):c.2656+5G>A

Gene: PLCB1 (phospholipase C beta 1; plus strand). Cytogenetic location: 20p12.3.
Variant type: single nucleotide variant.
Coding change: c.2656+5G>A on transcript NM_015192.4 (MANE Select); 5 bases into the intron after coding-DNA position 2656, G replaced by A.
Molecular consequence: intron variant.
Genome position (GRCh38, 1-based): chr20:8,757,183, G>A. VCF-style: chr20-8757183-G-A. GRCh37 (hg19) VCF-style: chr20-8737830-G-A.
Other names: c.2656+5G>A (NM_182734.3).
Identifiers: ClinVar variation 4278845 (VCV004278845.1).